The following is an entry in ClinVar:

ClinVar aggregate classification (germline): Benign. Review status: criteria provided, single submitter (1 of 4 stars). 2 submissions from 2 submitters: Benign (1). 1 of the submissions does not count toward it. Last evaluated 2026-01-26.

Conditions:
SUN1-related disorder. Also called: SUN1-related condition.
Emery-Dreifuss muscular dystrophy (EDMD). Also called: Scapuloperoneal syndrome, X-linked (formerly); Humeroperoneal neuromuscular disease, (formerly). Identifiers: Orphanet 261, MedGen C0410189, MONDO:0016830.

Allele frequency attached by ClinVar (database versions not stated): ExAC 0.00062; ESP Exome Variant Server 0.00128; TOPMed 0.00154; gnomAD 0.00170; 1000 Genomes Project 30x 0.00297; 1000 Genomes Project 0.00300.
gnomAD v4.1: 465 of 1,607,632 alleles (0.029%); highest among the groups gnomAD compares: African/African-American, 0.56%; 1 homozygote.

Submissions (2):

Labcorp Genetics (formerly Invitae), Labcorp
Classification: Benign for Emery-Dreifuss muscular dystrophy. Last evaluated: 2026-01-26. Review status: criteria provided, single submitter. Criteria: Invitae Variant Classification Sherloc (09022015). Collection method: clinical testing. Allele origin: germline.

PreventionGenetics, part of Exact Sciences
Classification: Likely benign for SUN1-related condition. Last evaluated: 2019-05-24. Review status: no assertion criteria provided. Collection method: clinical testing. Allele origin: germline. Not counted in ClinVar's aggregate classification.
Comment: This variant is classified as likely benign based on ACMG/AMP sequence variant interpretation guidelines (Richards et al. 2015 PMID: 25741868, with internal and published modifications).

NM_001130965.3(SUN1):c.226G>T (p.Gly76Cys)

Gene: SUN1 (Sad1 and UNC84 domain containing 1; plus strand). Cytogenetic location: 7p22.3.
Variant type: single nucleotide variant.
Coding change: c.226G>T on transcript NM_001130965.3 (MANE Select); coding-DNA position 226, G replaced by T.
Protein change: p.Gly76Cys; replaces glycine 76 with cysteine.
Molecular consequence: missense variant. On other transcripts: 5 prime UTR variant (2), non-coding transcript variant (3), intron variant (2).
Genome position (GRCh38, 1-based): chr7:838,946, G>T. VCF-style: chr7-838946-G-T. GRCh37 (hg19) VCF-style: chr7-878583-G-T.
Other names: c.226G>T, p.Gly76Cys (NM_001171944.2, NM_001171946.2, NM_001367633.1 and 34 more transcripts); c.289G>T, p.Gly97Cys (NM_001171945.2); c.-232G>T (NM_001367635.1); c.76G>T, p.Gly26Cys (NM_001367636.1, NM_001367637.1, NM_001367644.1 and 24 more transcripts); c.445G>T, p.Gly149Cys (NM_001367651.1); c.-536G>T (NM_001367658.1); c.78-3000G>T (NM_001367695.1); c.-301-3000G>T (NM_001367639.1); short protein forms G76C, G26C, G149C, G97C.
Identifiers: ClinVar variation 461655 (VCV000461655.14), dbSNP rs114826023, ClinGen allele CA4111417.